The following is an entry in ClinVar:

ClinVar aggregate classification (germline): Benign/Likely benign. Review status: criteria provided, multiple submitters, no conflicts (2 of 4 stars). 3 submissions from 3 submitters: Benign (1); Likely benign (1). 1 of the submissions does not count toward it. Last evaluated 2025-10-01.

Conditions:
KRT25-related disorder. Also called: KRT25-related condition.

Allele frequency attached by ClinVar (database versions not stated): gnomAD exomes 0.00007; ExAC 0.00021; ESP Exome Variant Server 0.00038; gnomAD 0.00073; 1000 Genomes Project 30x 0.00078; 1000 Genomes Project 0.00080; TOPMed 0.00088.
gnomAD v4.1: 224 of 1,613,874 alleles (0.014%); highest among the groups gnomAD compares: African/African-American, 0.24%; no homozygotes.

Submissions (3):

CeGaT Center for Human Genetics Tuebingen
Classification: Likely benign. Last evaluated: 2025-10-01. Review status: criteria provided, single submitter. Criteria: CeGaT Center For Human Genetics Tuebingen Variant Classification Criteria Version 2. Collection method: clinical testing. Allele origin: germline. Affected: yes. Observed: 1 variant allele.
Comment: KRT25: BP4, BP7

Labcorp Genetics (formerly Invitae), Labcorp
Classification: Benign. Last evaluated: 2024-08-01. Review status: criteria provided, single submitter. Criteria: Invitae Variant Classification Sherloc (09022015). Collection method: clinical testing. Allele origin: germline.

PreventionGenetics, part of Exact Sciences
Classification: Likely benign for KRT25-related condition. Last evaluated: 2019-07-16. Review status: no assertion criteria provided. Collection method: clinical testing. Allele origin: germline. Not counted in ClinVar's aggregate classification.
Comment: This variant is classified as likely benign based on ACMG/AMP sequence variant interpretation guidelines (Richards et al. 2015 PMID: 25741868, with internal and published modifications).

NM_181534.4(KRT25):c.648C>T (p.Tyr216=)

Gene: KRT25 (keratin 25; minus strand). Cytogenetic location: 17q21.2.
Variant type: single nucleotide variant.
Coding change: c.648C>T on transcript NM_181534.4 (MANE Select); coding-DNA position 648, C replaced by T.
Protein change: p.Tyr216=; no amino-acid change (tyrosine 216 retained).
Molecular consequence: synonymous variant.
Genome position (GRCh38, 1-based): chr17:40,753,881, G>A on the plus strand (C>T on the coding strand, the complement: KRT25 is on the minus strand). VCF-style: chr17-40753881-G-A. GRCh37 (hg19) VCF-style: chr17-38910133-G-A.
Other names: c.648C>T (NM_181534.3).
Identifiers: ClinVar variation 2164116 (VCV002164116.12), dbSNP rs141255550, ClinGen allele CA8546322.